The following is an entry in ClinVar:

ClinVar aggregate classification (germline): Uncertain significance (1 of 4 stars; one submission).

Conditions:
Chuvash polycythemia. Also called: POLYCYTHEMIA, VHL-DEPENDENT. Identifiers: Orphanet 238557, MedGen C1837915, MONDO:0009892, OMIM 263400.
Von Hippel-Lindau syndrome (VHLS). Also called: Von Hippel-Lindau; von Hippel–Lindau syndrome; VHL syndrome. Identifiers: Orphanet 892, MedGen C0019562, MONDO:0008667, OMIM 193300. Disease mechanism: loss of function.

Submission:

Labcorp Genetics (formerly Invitae), Labcorp
Classification: Uncertain significance for Von Hippel-Lindau syndrome; Chuvash polycythemia. Last evaluated: 2024-12-12. Review status: criteria provided, single submitter. Criteria: Invitae Variant Classification Sherloc (09022015). Collection method: clinical testing. Allele origin: germline.
Comment: This sequence change falls in intron 1 of the VHL gene. It is not expected to change the encoded amino acid sequence of the VHL protein. However, this sequence change falls within a cryptic exon in the VHL gene, known as exon E1’, which is naturally expressed at low levels in several human tissues (PMID: 29891534). This variant is not present in population databases (gnomAD no frequency). This variant has not been reported in the literature in individuals affected with VHL-related conditions. ClinVar contains an entry for this variant (Variation ID: 1061733). Algorithms developed to predict the effect of sequence changes on RNA splicing suggest that this variant is not likely to affect RNA splicing. In summary, the available evidence is currently insufficient to determine the role of this variant in disease. Therefore, it has been classified as a Variant of Uncertain Significance.

Literature cited by the submitters: PubMed 29891534.

NM_000551.4(VHL):c.340+589A>C

Genes: VHL (von Hippel-Lindau tumor suppressor; plus strand), LOC107303340 (3p25 von Hippel-Lindau tumor suppressor, E3 ubiquitin protein ligase Alu-mediated recombination region; plus strand). Cytogenetic location: 3p25.3.
Variant type: single nucleotide variant.
Coding change: c.340+589A>C on transcript NM_000551.4 (MANE Select); 589 bases into the intron after coding-DNA position 340, A replaced by C.
Molecular consequence: intron variant. On other transcripts: synonymous variant (1).
Genome position (GRCh38, 1-based): chr3:10,142,776, A>C. VCF-style: chr3-10142776-A-C. GRCh37 (hg19) VCF-style: chr3-10184460-A-C.
Other names: c.354A>C, p.Pro118= (NM_001354723.2); c.340+589A>C (NM_198156.3).
Identifiers: ClinVar variation 1061733 (VCV001061733.9), dbSNP rs2125125850, ClinGen allele CA2499216359.
Genomic context (GRCh38, chr3:10,142,776, plus strand): 5'-TTTTCCCCTCAAAGAAAAGCTGCATCCTTAACACCCCATCTGTTCAGTCCTCATGACTCC[A>C]GTGGGCCAGTTCTGCGTAGTCCCTGCCCTCGTGGAGAACACATTCCTCCTGGGGAGACTG-3'